The following is an entry in ClinVar:

NM_172107.4(KCNQ2):c.811G>C (p.Gly271Arg)

Gene: KCNQ2 (potassium voltage-gated channel subfamily Q member 2; minus strand). Cytogenetic location: 20q13.33.
Variant type: single nucleotide variant.
Coding change: c.811G>C on transcript NM_172107.4 (MANE Select); coding-DNA position 811, G replaced by C.
Protein change: p.Gly271Arg; replaces glycine 271 with arginine.
Molecular consequence: missense variant.
Genome position (GRCh38, 1-based): chr20:63,442,411, C>G on the plus strand (G>C on the coding strand, the complement: KCNQ2 is on the minus strand). VCF-style: chr20-63442411-C-G. GRCh37 (hg19) VCF-style: chr20-62073764-C-G.
Other names: c.811G>C, p.Gly271Arg (NM_004518.6, NM_172106.3, NM_172108.5 and 1 more transcripts); short protein forms G271R.
Identifiers: ClinVar variation 425271 (VCV000425271.48), dbSNP rs1064797284, ClinGen allele CA16621790.

ClinVar aggregate classification (germline): Pathogenic/Likely pathogenic. Review status: criteria provided, multiple submitters, no conflicts (2 of 4 stars). 3 submissions from 3 submitters: Pathogenic (1); Likely pathogenic (2). Last evaluated 2025-11-24.

Conditions:
Early-infantile DEE. Also called: Early infantile epileptic encephalopathy with suppression bursts; Early infantile epileptic encephalopathy; Ohtahara syndrome. Identifiers: Orphanet 1934, MedGen C0393706, MONDO:0800491.
Developmental and epileptic encephalopathy, 7 (DEE7). Also called: KCNQ2-Related Neonatal-Onset Developmental and Epileptic Encephalopathy (NEO-DEE); Early infantile epileptic encephalopathy 7; KCNQ2-Related Neonatal Epileptic Encephalopathy. Identifiers: Orphanet 439218, MedGen C3150986, MONDO:0013387, OMIM 613720.

Submissions (3):

Institute of Human Genetics, University of Leipzig Medical Center
Classification: Pathogenic for Developmental and epileptic encephalopathy, 7. Last evaluated: 2025-11-24. Review status: criteria provided, single submitter. Criteria: ACMG Guidelines, 2015. Collection method: clinical testing. Allele origin: unknown. Inheritance: Autosomal dominant inheritance. Affected: yes.
Comment: Criteria applied: PM5_STR,PS4_MOD,PM1,PM2,PP2,PP3

Labcorp Genetics (formerly Invitae), Labcorp
Classification: Likely pathogenic for Early-infantile DEE. Last evaluated: 2022-09-06. Review status: criteria provided, single submitter. Criteria: Invitae Variant Classification Sherloc (09022015). Collection method: clinical testing. Allele origin: germline.
Comment: This variant disrupts the p.Gly271 amino acid residue in KCNQ2. Other variant(s) that disrupt this residue have been determined to be pathogenic (PMID: 16691402, 25960349; Invitae). This suggests that this residue is clinically significant, and that variants that disrupt this residue are likely to be disease-causing. Advanced modeling of protein sequence and biophysical properties (such as structural, functional, and spatial information, amino acid conservation, physicochemical variation, residue mobility, and thermodynamic stability) performed at Invitae indicates that this missense variant is expected to disrupt KCNQ2 protein function. ClinVar contains an entry for this variant (Variation ID: 425271). This variant has not been reported in the literature in individuals affected with KCNQ2-related conditions. This variant is not present in population databases (gnomAD no frequency). This sequence change replaces glycine, which is neutral and non-polar, with arginine, which is basic and polar, at codon 271 of the KCNQ2 protein (p.Gly271Arg). In summary, the currently available evidence indicates that the variant is pathogenic, but additional data are needed to prove that conclusively. Therefore, this variant has been classified as Likely Pathogenic.

CeGaT Center for Human Genetics Tuebingen
Classification: Likely pathogenic. Last evaluated: 2016-10-01. Review status: criteria provided, single submitter. Criteria: CeGaT Center For Human Genetics Tuebingen Variant Classification Criteria Version 2. Collection method: clinical testing. Allele origin: germline. Affected: yes. Observed: 1 variant allele.

Literature cited by the submitters: PubMed 16691402 (cited by Labcorp Genetics (formerly Invitae), Labcorp); PubMed 25960349 (cited by Labcorp Genetics (formerly Invitae), Labcorp).